The following is an entry in ClinVar:

ClinVar aggregate classification (germline): Uncertain significance. Review status: criteria provided, multiple submitters, no conflicts (2 of 4 stars). 2 submissions from 2 submitters: Uncertain significance (2). Last evaluated 2026-03-25.

Conditions:
Amyotrophic lateral sclerosis type 21. Also called: MYOPATHY, DISTAL, 2; VOCAL CORD AND PHARYNGEAL DYSFUNCTION WITH DISTAL MYOPATHY. Identifiers: Orphanet 600, Orphanet 803, MedGen C3807521, MONDO:0011632, OMIM 606070.
MATR3-related disorder. Also called: MATR3-related condition.

Allele frequency attached by ClinVar (database versions not stated): TOPMed 0.00001; gnomAD 0.00003.
gnomAD v4.1: 11 of 1,614,076 alleles (0.00068%); highest among the groups gnomAD compares: African/African-American, 0.0013%; no homozygotes.

Submissions (2):

PreventionGenetics, part of Exact Sciences
Classification: Uncertain significance for MATR3-related condition. Last evaluated: 2026-03-25. Review status: criteria provided, single submitter. Criteria: ACMG Guidelines, 2015. Collection method: clinical testing. Allele origin: germline.
Comment: The MATR3 c.2301T>A variant is predicted to result in the amino acid substitution p.Asp767Glu. To our knowledge, this variant has not been reported in the literature. This variant is reported in 0.0026% of alleles in individuals of European (Non-Finnish) descent in gnomAD. At this time, the clinical significance of this variant is uncertain due to the absence of conclusive functional and genetic evidence.

Labcorp Genetics (formerly Invitae), Labcorp
Classification: Uncertain significance for Amyotrophic lateral sclerosis type 21. Last evaluated: 2025-11-06. Review status: criteria provided, single submitter. Criteria: Invitae Variant Classification Sherloc (09022015). Collection method: clinical testing. Allele origin: germline.
Comment: This sequence change replaces aspartic acid, which is acidic and polar, with glutamic acid, which is acidic and polar, at codon 767 of the MATR3 protein (p.Asp767Glu). This variant is present in population databases (rs748749843, gnomAD 0.002%). This variant has not been reported in the literature in individuals affected with MATR3-related conditions. ClinVar contains an entry for this variant (Variation ID: 2149323). Invitae Evidence Modeling of protein sequence and biophysical properties (such as structural, functional, and spatial information, amino acid conservation, physicochemical variation, residue mobility, and thermodynamic stability) indicates that this missense variant is not expected to disrupt MATR3 protein function with a negative predictive value of 80%. In summary, the available evidence is currently insufficient to determine the role of this variant in disease. Therefore, it has been classified as a Variant of Uncertain Significance.

NM_018834.6(MATR3):c.2301T>A (p.Asp767Glu)

Gene: MATR3 (matrin 3; plus strand). Cytogenetic location: 5q31.2.
Variant type: single nucleotide variant.
Coding change: c.2301T>A on transcript NM_018834.6 (MANE Select); coding-DNA position 2301, T replaced by A.
Protein change: p.Asp767Glu; replaces aspartic acid 767 with glutamic acid.
Molecular consequence: missense variant.
Genome position (GRCh38, 1-based): chr5:139,325,592, T>A. VCF-style: chr5-139325592-T-A. GRCh37 (hg19) VCF-style: chr5-138661281-T-A.
Other names: c.2301T>A, p.Asp767Glu (NM_001194954.2, NM_001194955.2, NM_001400447.1 and 11 more transcripts); c.1437T>A, p.Asp479Glu (NM_001194956.2); c.1287T>A, p.Asp429Glu (NM_001282278.2, NM_001400462.1, NM_001400463.1 and 4 more transcripts); c.2445T>A, p.Asp815Glu (NM_001400441.1, NM_001400442.1, NM_001400443.1 and 2 more transcripts); c.1401T>A, p.Asp467Glu (NM_001400461.1); c.2301T>A (NM_199189.2); c.1440T>A, p.Asp480Glu (NM_001400459.1); c.1431T>A, p.Asp477Glu (NM_001400460.1); short protein forms D480E, D429E, D467E, D479E, D767E, D477E, D815E.
Identifiers: ClinVar variation 2149323 (VCV002149323.6), dbSNP rs748749843, ClinGen allele CA3433416.
Genomic context (GRCh38, chr5:139,325,592, plus strand): 5'-TTCTGAGAACGCTGATGATCCCAACAAAGATACAAGTGAAAACGCAGATGGTCAAAGTGA[T>A]GAGAACAAGGACGACTATACAATCCCAGATGAGTATAGAATTGGACCATATCAGCCCAAT-3'
Protein context (NP_061322.2, residues 757-777): DTSENADGQS[Asp767Glu]ENKDDYTIPD